The following is an entry in ClinVar:

NM_032119.4(ADGRV1):c.18513G>A (p.Met6171Ile)

Gene: ADGRV1 (adhesion G protein-coupled receptor V1; plus strand). Cytogenetic location: 5q14.3.
Variant type: single nucleotide variant.
Coding change: c.18513G>A on transcript NM_032119.4 (MANE Select); coding-DNA position 18513, G replaced by A.
Protein change: p.Met6171Ile; replaces methionine 6171 with isoleucine.
Molecular consequence: missense variant. On other transcripts: non-coding transcript variant (1).
Genome position (GRCh38, 1-based): chr5:91,150,110, G>A. VCF-style: chr5-91150110-G-A. GRCh37 (hg19) VCF-style: chr5-90445927-G-A.
Other names: c.18513G>A (NM_032119.3); short protein forms M6171I.
Identifiers: ClinVar variation 1481494 (VCV001481494.6), dbSNP rs1795917925, ClinGen allele CA360432176.

ClinVar aggregate classification (germline): Uncertain significance. Review status: criteria provided, multiple submitters, no conflicts (2 of 4 stars). 2 submissions from 2 submitters: Uncertain significance (2). Last evaluated 2024-11-19.

Conditions:
Inborn genetic diseases. Identifiers: MedGen C0950123, MeSH D030342.

gnomAD v4.1: 1 of 1,576,626 alleles (0.000063%); no homozygotes.

Submissions (2):

Ambry Genetics
Classification: Uncertain significance for Inborn genetic diseases. Last evaluated: 2024-11-19. Review status: criteria provided, single submitter. Criteria: Ambry Variant Classification Scheme 2023. Collection method: clinical testing. Allele origin: germline.

Labcorp Genetics (formerly Invitae), Labcorp
Classification: Uncertain significance. Last evaluated: 2021-08-26. Review status: criteria provided, single submitter. Criteria: Invitae Variant Classification Sherloc (09022015). Collection method: clinical testing. Allele origin: germline.
Comment: This sequence change replaces methionine with isoleucine at codon 6171 of the ADGRV1 protein (p.Met6171Ile). The methionine residue is moderately conserved and there is a small physicochemical difference between methionine and isoleucine. This variant is not present in population databases (ExAC no frequency). This variant has not been reported in the literature in individuals affected with ADGRV1-related conditions. Algorithms developed to predict the effect of missense changes on protein structure and function (SIFT, PolyPhen-2, Align-GVGD) all suggest that this variant is likely to be tolerated. In summary, the available evidence is currently insufficient to determine the role of this variant in disease. Therefore, it has been classified as a Variant of Uncertain Significance.